The following is an entry in ClinVar:

NM_020774.4(MIB1):c.1585C>T (p.Arg529Cys)

Gene: MIB1 (MIB E3 ubiquitin protein ligase 1; plus strand). Cytogenetic location: 18q11.2.
Variant type: single nucleotide variant.
Coding change: c.1585C>T on transcript NM_020774.4 (MANE Select); coding-DNA position 1585, C replaced by T.
Protein change: p.Arg529Cys; replaces arginine 529 with cysteine.
Molecular consequence: missense variant.
Genome position (GRCh38, 1-based): chr18:21,815,721, C>T. VCF-style: chr18-21815721-C-T. GRCh37 (hg19) VCF-style: chr18-19395682-C-T.
Other names: short protein forms R529C.
Identifiers: ClinVar variation 1775788 (VCV001775788.2), dbSNP rs1277175326, ClinGen allele CA401758161.

ClinVar aggregate classification (germline): Uncertain significance (1 of 4 stars; one submission).

Conditions:
Inborn genetic diseases. Identifiers: MedGen C0950123, MeSH D030342.

Allele frequency attached by ClinVar (database versions not stated): gnomAD exomes below 0.00001; gnomAD 0.00001; TOPMed 0.00001.
gnomAD v4.1: 8 of 1,613,968 alleles (0.0005%); highest among the groups gnomAD compares: Admixed American, 0.0017%; no homozygotes.

Submission:

Ambry Genetics
Classification: Uncertain significance for Inborn genetic diseases. Last evaluated: 2022-10-27. Review status: criteria provided, single submitter. Criteria: Ambry Variant Classification Scheme 2023. Collection method: clinical testing. Allele origin: germline.
Comment: The p.R529C variant (also known as c.1585C>T), located in coding exon 11 of the MIB1 gene, results from a C to T substitution at nucleotide position 1585. The arginine at codon 529 is replaced by cysteine, an amino acid with highly dissimilar properties. This amino acid position is conserved. In addition, this alteration is predicted to be tolerated by in silico analysis. Since supporting evidence is limited at this time, the clinical significance of this alteration remains unclear.